The following is an entry in ClinVar:

ClinVar aggregate classification (germline): Uncertain significance (1 of 4 stars; one submission).

Conditions:
Hereditary cancer-predisposing syndrome. Also called: Hereditary Cancer Syndrome; Hereditary neoplastic syndrome; Neoplastic Syndromes, Hereditary; Tumor predisposition. Identifiers: Orphanet 140162, MedGen C0027672, MeSH D009386, MONDO:0015356.

Submission:

Ambry Genetics
Classification: Uncertain significance for Hereditary cancer-predisposing syndrome. Last evaluated: 2021-05-14. Review status: criteria provided, single submitter. Criteria: Ambry Variant Classification Scheme 2023. Collection method: clinical testing. Allele origin: germline.
Comment: The p.P1441S variant (also known as c.4321C>T), located in coding exon 15 of the APC gene, results from a C to T substitution at nucleotide position 4321. The proline at codon 1441 is replaced by serine, an amino acid with similar properties. This amino acid position is highly conserved in available vertebrate species. In addition, in silico predictors for this gene do not accurately predict pathogenicity. Since supporting evidence is limited at this time, the clinical significance of this alteration remains unclear.

NM_000038.6(APC):c.4321C>T (p.Pro1441Ser)

Gene: APC (APC regulator of Wnt signaling pathway; plus strand). Cytogenetic location: 5q22.2.
Variant type: single nucleotide variant.
Coding change: c.4321C>T on transcript NM_000038.6 (MANE Select); coding-DNA position 4321, C replaced by T.
Protein change: p.Pro1441Ser; replaces proline 1441 with serine.
Molecular consequence: missense variant.
Genome position (GRCh38, 1-based): chr5:112,839,915, C>T. VCF-style: chr5-112839915-C-T. GRCh37 (hg19) VCF-style: chr5-112175612-C-T.
Other names: c.4321C>T, p.Pro1441Ser (NM_001127510.3, NM_001354895.2, NM_001407450.1); c.4267C>T, p.Pro1423Ser (NM_001127511.3); c.4375C>T, p.Pro1459Ser (NM_001354896.2, NM_001407447.1, NM_001407448.1 and 1 more transcripts); c.4351C>T, p.Pro1451Ser (NM_001354897.2); c.4246C>T, p.Pro1416Ser (NM_001354898.2); c.4237C>T, p.Pro1413Ser (NM_001354899.2); c.4198C>T, p.Pro1400Ser (NM_001354900.2); c.4144C>T, p.Pro1382Ser (NM_001354901.2, NM_001407453.1); and 11 more; short protein forms P1382S, P1416S, P1158S, P1340S, P1431S, P1441S, P1451S, P1057S.
Identifiers: ClinVar variation 1739707 (VCV001739707.2), dbSNP rs1238782537, ClinGen allele CA16030803.
Genomic context (GRCh38, chr5:112,839,915, plus strand): 5'-AGTGATCTTCCAGATAGCCCTGGACAAACCATGCCACCAAGCAGAAGTAAAACACCTCCA[C>T]CACCTCCTCAAACAGCTCAAACCAAGCGAGAAGTACCTAAAAATAAAGCACCTACTGCTG-3'
Protein context (NP_000029.2, residues 1431-1451): MPPSRSKTPP[Pro1441Ser]PPQTAQTKRE